The following is an entry in ClinVar:

ClinVar aggregate classification (germline): Uncertain significance. Review status: criteria provided, multiple submitters, no conflicts (2 of 4 stars). 2 submissions from 2 submitters: Uncertain significance (2). Last evaluated 2025-11-24.

Conditions:
Hereditary cancer-predisposing syndrome. Also called: Hereditary Cancer Syndrome; Neoplastic Syndromes, Hereditary; Tumor predisposition; Hereditary neoplastic syndrome. Identifiers: Orphanet 140162, MedGen C0027672, MeSH D009386, MONDO:0015356.

Allele frequency attached by ClinVar (database versions not stated): gnomAD exomes below 0.00001; TOPMed below 0.00001; ExAC 0.00001; gnomAD 0.00001.
gnomAD v4.1: 2 of 1,614,022 alleles (0.00012%); highest among the groups gnomAD compares: African/African-American, 0.0013%; no homozygotes.

Submissions (2):

Labcorp Genetics (formerly Invitae), Labcorp
Classification: Uncertain significance. Last evaluated: 2025-11-24. Review status: criteria provided, single submitter. Criteria: Invitae Variant Classification Sherloc (09022015). Collection method: clinical testing. Allele origin: germline.
Comment: This sequence change replaces isoleucine, which is neutral and non-polar, with valine, which is neutral and non-polar, at codon 106 of the POLE protein (p.Ile106Val). This variant is present in population databases (rs777108003, gnomAD 0.007%). This variant has not been reported in the literature in individuals affected with POLE-related conditions. ClinVar contains an entry for this variant (Variation ID: 2161300). Invitae Evidence Modeling of protein sequence and biophysical properties (such as structural, functional, and spatial information, amino acid conservation, physicochemical variation, residue mobility, and thermodynamic stability) indicates that this missense variant is not expected to disrupt POLE protein function with a negative predictive value of 80%. In summary, the available evidence is currently insufficient to determine the role of this variant in disease. Therefore, it has been classified as a Variant of Uncertain Significance.

Ambry Genetics
Classification: Uncertain significance for Hereditary cancer-predisposing syndrome. Last evaluated: 2025-02-01. Review status: criteria provided, single submitter. Criteria: Ambry Variant Classification Scheme 2023. Collection method: clinical testing. Allele origin: germline.
Comment: The p.I106V variant (also known as c.316A>G), located in coding exon 4 of the POLE gene, results from an A to G substitution at nucleotide position 316. The isoleucine at codon 106 is replaced by valine, an amino acid with highly similar properties. This amino acid position is conserved. In addition, this alteration is predicted to be tolerated by in silico analysis. Based on the available evidence, the clinical significance of this variant remains unclear.

NM_006231.4(POLE):c.316A>G (p.Ile106Val)

Gene: POLE (DNA polymerase epsilon, catalytic subunit; minus strand). Cytogenetic location: 12q24.33.
Variant type: single nucleotide variant.
Coding change: c.316A>G on transcript NM_006231.4 (MANE Select); coding-DNA position 316, A replaced by G.
Protein change: p.Ile106Val; replaces isoleucine 106 with valine.
Molecular consequence: missense variant.
Genome position (GRCh38, 1-based): chr12:132,680,192, T>C on the plus strand (A>G on the coding strand, the complement: POLE is on the minus strand). VCF-style: chr12-132680192-T-C. GRCh37 (hg19) VCF-style: chr12-133256778-T-C.
Other names: c.316A>G (NM_006231.2); short protein forms I106V.
Identifiers: ClinVar variation 2161300 (VCV002161300.5), dbSNP rs777108003, ClinGen allele CA6894365.